The following is an entry in ClinVar:

ClinVar aggregate classification (germline): Likely pathogenic (1 of 4 stars; one submission).

Conditions:
Wilson disease (WND). Also called: Wilson's disease. Identifiers: Orphanet 905, MedGen C0019202, MONDO:0010200, OMIM 277900. Disease mechanism: loss of function.

Submission:

Myriad Genetics, Inc.
Classification: Likely pathogenic for Wilson disease. Last evaluated: 2021-12-02. Review status: criteria provided, single submitter. Criteria: Myriad Women's Health Autosomal Recessive and X-Linked Classification Criteria (2021). Collection method: clinical testing. Allele origin: unknown.
Comment: NM_000053.3(ATP7B):c.2512_2513delAA(K838Vfs*15) is expected to be pathogenic in the context of Wilson disease. This variant is predicted to lead to an abnormal or absent protein product due to the creation of a premature termination codon in ATP7B, a gene where loss-of-function variants are known to be pathogenic. Please note: this variant was assessed in the context of healthy population screening.

NM_000053.4(ATP7B):c.2512_2513del (p.Lys838fs)

Gene: ATP7B (ATPase copper transporting beta; minus strand). Cytogenetic location: 13q14.3.
Variant type: Deletion.
Coding change: c.2512_2513del on transcript NM_000053.4 (MANE Select); coding-DNA positions 2512 to 2513, 2 bases deleted (AA; older notation c.2512_2513delAA).
Protein change: p.Lys838fs; shifts the reading frame from lysine 838.
Molecular consequence: frameshift variant.
Genome position (GRCh38, 1-based): chr13:51,950,334-51,950,335, TT deleted on the plus strand (AA on the coding strand, the reverse complement: ATP7B is on the minus strand); deleting any 2 consecutive bases within chr13:51,950,334-51,950,336 gives the same sequence; the c. name uses the placement nearest the transcript's 3' end. VCF-style (leftmost placement, unchanged base first): chr13-51950333-CTT-C. GRCh37 (hg19) VCF-style: chr13-52524469-CTT-C.
Other names: c.2026_2027del, p.Lys676fs (NM_001005918.3); c.2179_2180del, p.Lys727fs (NM_001243182.2); c.2278_2279del, p.Lys760fs (NM_001330578.2); c.2260_2261del, p.Lys754fs (NM_001330579.2); c.2511_2512delAA, p.Lys838Valfs (NM_001406511.1, NM_001406512.1, NM_001406513.1 and 7 more transcripts); c.2478_2479delAA, p.Lys827Valfs (NM_001406514.1); c.2415_2416delAA, p.Lys806Valfs (NM_001406517.1, NM_001406518.1); c.2367_2368delAA, p.Lys790Valfs (NM_001406520.1, NM_001406521.1, NM_001406522.1 and 1 more transcripts); and 10 more; short protein forms K676fs, K727fs, K754fs, K760fs, K838fs.
Identifiers: ClinVar variation 1725325 (VCV001725325.2), dbSNP rs777362050, ClinGen allele CA2580087745.
Genomic context (GRCh38, chr13:51,950,333, plus strand): 5'-TGTGATGAGGGACTCATCAGCCATGGTATTGCCTTCCAGGACTTTCCCATCCACTGGAAA[CTT>C]TCCCCCAGGGACCACCTTGACGATATCGCCCCGCTGCACCAGCTCCATGGGGACTTGCTC-3'